The following is an entry in ClinVar:

ClinVar aggregate classification (germline): Benign/Likely benign. Review status: criteria provided, multiple submitters, no conflicts (2 of 4 stars). 8 submissions from 7 submitters: Benign (4); Likely benign (1). 3 of the submissions do not count toward it. Last evaluated 2026-02-01.

Conditions:
Emery-Dreifuss muscular dystrophy 4, autosomal dominant (EDMD4). Also called: EMERY-DREIFUSS MUSCULAR DYSTROPHY 4 WITH VARIABLE FEATURES. Identifiers: Orphanet 261, MedGen C2751807, MONDO:0013071, OMIM 612998.
Autosomal recessive ataxia, Beauce type. Also called: SYNE1-Related Autosomal Recessive Cerebellar Ataxia; Spinocerebellar ataxia, autosomal recessive 8; ATAXIA, RECESSIVE, OF BEAUCE; SYNE1 Deficiency. Identifiers: Orphanet 88644, MedGen C1853116, MONDO:0012549, OMIM 610743.

Allele frequency attached by ClinVar (database versions not stated): 1000 Genomes Project 0.01438; 1000 Genomes Project 30x 0.01452; TOPMed 0.02325; gnomAD 0.02406 and 0.02427; ESP Exome Variant Server 0.02483; gnomAD exomes 0.02740 and 0.03148; ExAC 0.02769.
gnomAD v4.1: 49,557 of 1,612,874 alleles (3.1%); highest among the groups gnomAD compares: Middle Eastern, 5.3%; 889 homozygotes.

Submissions (8):

Labcorp Genetics (formerly Invitae), Labcorp
Classification: Benign for Emery-Dreifuss muscular dystrophy 4, autosomal dominant; Autosomal recessive ataxia, Beauce type. Last evaluated: 2026-02-01. Review status: criteria provided, single submitter. Criteria: Invitae Variant Classification Sherloc (09022015). Collection method: clinical testing. Allele origin: germline.

Blueprint Genetics
Classification: Likely benign. Last evaluated: 2024-11-26. Review status: criteria provided, single submitter. Criteria: ACMG Guidelines, 2015. Collection method: clinical testing. Allele origin: germline.

Illumina Laboratory Services, Illumina
Classification: Benign for Emery-Dreifuss muscular dystrophy 4, autosomal dominant. Last evaluated: 2018-01-13. Review status: criteria provided, single submitter. Criteria: ICSL Variant Classification Criteria 13 December 2019. Collection method: clinical testing. Allele origin: germline.
Comment: This variant was observed in the ICSL laboratory as part of a predisposition screen in an ostensibly healthy population. It had not been previously curated by ICSL or reported in the Human Gene Mutation Database (HGMD: prior to June 1st, 2018), and was therefore a candidate for classification through an automated scoring system. Utilizing variant allele frequency, disease prevalence and penetrance estimates, and inheritance mode, an automated score was calculated to assess if this variant is too frequent to cause the disease. Based on the score and internal cut-off values, a variant classified as benign is not then subjected to further curation. The score for this variant resulted in a classification of benign for this disease.

Illumina Laboratory Services, Illumina
Classification: Benign for Autosomal recessive ataxia, Beauce type. Last evaluated: 2018-01-13. Review status: criteria provided, single submitter. Criteria: ICSL Variant Classification Criteria 13 December 2019. Collection method: clinical testing. Allele origin: germline.
Comment: the same text as in the submission from Illumina Laboratory Services, Illumina above.

GeneDx
Classification: Benign. Last evaluated: 2016-03-11. Review status: criteria provided, single submitter. Criteria: GeneDx Variant Classification (06012015). Collection method: clinical testing. Allele origin: germline. Affected: yes.
Comment: This variant is considered likely benign or benign based on one or more of the following criteria: it is a conservative change, it occurs at a poorly conserved position in the protein, it is predicted to be benign by multiple in silico algorithms, and/or has population frequency not consistent with disease.

Clinical Genetics DNA and cytogenetics Diagnostics Lab, Erasmus MC, Erasmus Medical Center
Classification: Benign. Review status: no assertion criteria provided. Collection method: clinical testing. Allele origin: germline. Affected: yes. Study: VKGL Data-share Consensus. Not counted in ClinVar's aggregate classification.

Clinical Genetics, Academic Medical Center
Classification: Benign. Review status: no assertion criteria provided. Collection method: clinical testing. Allele origin: germline. Affected: yes. Study: VKGL Data-share Consensus. Not counted in ClinVar's aggregate classification.

Genome Diagnostics Laboratory, University Medical Center Utrecht
Classification: Benign. Review status: no assertion criteria provided. Collection method: clinical testing. Allele origin: germline. Affected: yes. Study: VKGL Data-share Consensus. Not counted in ClinVar's aggregate classification.

NM_182961.4(SYNE1):c.7556+14A>G

Gene: SYNE1 (spectrin repeat containing nuclear envelope protein 1; minus strand). Cytogenetic location: 6q25.2.
Variant type: single nucleotide variant.
Coding change: c.7556+14A>G on transcript NM_182961.4 (MANE Select); 14 bases into the intron after coding-DNA position 7556, A replaced by G.
Molecular consequence: intron variant.
Genome position (GRCh38, 1-based): chr6:152,396,761, T>C on the plus strand (A>G on the coding strand, the complement: SYNE1 is on the minus strand). VCF-style: chr6-152396761-T-C. GRCh37 (hg19) VCF-style: chr6-152717896-T-C.
Other names: c.7577+14A>G (NM_033071.5).
Identifiers: ClinVar variation 355911 (VCV000355911.17), dbSNP rs78034368, ClinGen allele CA4057797.